The following is an entry in ClinVar:

NM_002470.4(MYH3):c.1133G>A (p.Gly378Asp)

Gene: MYH3 (myosin heavy chain 3; minus strand). Cytogenetic location: 17p13.1.
Variant type: single nucleotide variant.
Coding change: c.1133G>A on transcript NM_002470.4 (MANE Select); coding-DNA position 1133, G replaced by A.
Protein change: p.Gly378Asp; replaces glycine 378 with aspartic acid.
Molecular consequence: missense variant.
Genome position (GRCh38, 1-based): chr17:10,645,715, C>T on the plus strand (G>A on the coding strand, the complement: MYH3 is on the minus strand). VCF-style: chr17-10645715-C-T. GRCh37 (hg19) VCF-style: chr17-10549032-C-T.
Other names: short protein forms G378D.
Identifiers: ClinVar variation 1305336 (VCV001305336.2), dbSNP rs2142410600, ClinGen allele CA398176025.

ClinVar aggregate classification (germline): Uncertain significance (1 of 4 stars; one submission).

gnomAD v4.1: 1 of 1,612,656 alleles (0.000062%); highest among the groups gnomAD compares: Non-Finnish European, 0.000085%; no homozygotes.

Submission:

GeneDx
Classification: Uncertain significance. Last evaluated: 2019-05-06. Review status: criteria provided, single submitter. Criteria: GeneDx Variant Classification Process June 2021. Collection method: clinical testing. Allele origin: germline. Affected: yes.
Comment: Not observed in large population cohorts (Lek et al., 2016); In silico analysis, which includes protein predictors and evolutionary conservation, supports a deleterious effect; Has not been previously published as pathogenic or benign to our knowledge